The following is an entry in ClinVar:

NM_001127644.2(GABRA1):c.934G>A (p.Ala312Thr)

Gene: GABRA1 (gamma-aminobutyric acid type A receptor subunit alpha1; plus strand). Cytogenetic location: 5q34.
Variant type: single nucleotide variant.
Coding change: c.934G>A on transcript NM_001127644.2 (MANE Select); coding-DNA position 934, G replaced by A.
Protein change: p.Ala312Thr; replaces alanine 312 with threonine.
Molecular consequence: missense variant.
Genome position (GRCh38, 1-based): chr5:161,895,743, G>A. VCF-style: chr5-161895743-G-A. GRCh37 (hg19) VCF-style: chr5-161322749-G-A.
Other names: c.934G>A, p.Ala312Thr (NM_000806.5, NM_001127643.2, NM_001127645.2 and 1 more transcripts); short protein forms A312T.
Identifiers: ClinVar variation 430282 (VCV000430282.3), dbSNP rs1131691884, ClinGen allele CA362180226.

ClinVar aggregate classification (germline): Pathogenic (1 of 4 stars; one submission).

Submission:

GeneDx
Classification: Pathogenic. Last evaluated: 2024-06-05. Review status: criteria provided, single submitter. Criteria: GeneDx Variant Classification Process June 2021. Collection method: clinical testing. Allele origin: germline. Affected: yes.
Comment: Not observed at significant frequency in large population cohorts (gnomAD); In silico analysis supports that this missense variant has a deleterious effect on protein structure/function; This variant is associated with the following publications: (PMID: 33057194, 35982159, 35982160, 38014242)